The following is an entry in ClinVar:

NM_004385.5(VCAN):c.8282T>C (p.Phe2761Ser)

Genes: VCAN (versican; plus strand), VCAN-AS1 (VCAN antisense RNA 1; minus strand). Cytogenetic location: 5q14.3.
Variant type: single nucleotide variant.
Coding change: c.8282T>C on transcript NM_004385.5 (MANE Select); coding-DNA position 8282, T replaced by C.
Protein change: p.Phe2761Ser; replaces phenylalanine 2761 with serine.
Molecular consequence: missense variant. On other transcripts: intron variant (2).
Genome position (GRCh38, 1-based): chr5:83,541,285, T>C. VCF-style: chr5-83541285-T-C. GRCh37 (hg19) VCF-style: chr5-82837104-T-C.
Other names: c.5321T>C, p.Phe1774Ser (NM_001164097.2); c.4004-4252T>C (NM_001164098.2); c.1043-4252T>C (NM_001126336.3); short protein forms F2761S, F1774S.
Identifiers: ClinVar variation 2764622 (VCV002764622.3), dbSNP rs2479122889, ClinGen allele CA360316581.

ClinVar aggregate classification (germline): Uncertain significance (1 of 4 stars; one submission).

Submission:

Labcorp Genetics (formerly Invitae), Labcorp
Classification: Uncertain significance. Last evaluated: 2024-01-12. Review status: criteria provided, single submitter. Criteria: Invitae Variant Classification Sherloc (09022015). Collection method: clinical testing. Allele origin: germline.
Comment: This sequence change replaces phenylalanine, which is neutral and non-polar, with serine, which is neutral and polar, at codon 2761 of the VCAN protein (p.Phe2761Ser). This variant is not present in population databases (gnomAD no frequency). This variant has not been reported in the literature in individuals affected with VCAN-related conditions. An algorithm developed to predict the effect of missense changes on protein structure and function (PolyPhen-2) suggests that this variant is likely to be disruptive. In summary, the available evidence is currently insufficient to determine the role of this variant in disease. Therefore, it has been classified as a Variant of Uncertain Significance.